The following is an entry in ClinVar:

ClinVar aggregate classification (germline): Likely benign (1 of 4 stars; one submission).

Submission:

GeneDx
Classification: Likely benign. Last evaluated: 2018-06-16. Review status: criteria provided, single submitter. Criteria: GeneDx Variant Classification (06012015). Collection method: clinical testing. Allele origin: germline. Affected: yes.
Comment: This variant is considered likely benign or benign based on one or more of the following criteria: it is a conservative change, it occurs at a poorly conserved position in the protein, it is predicted to be benign by multiple in silico algorithms, and/or has population frequency not consistent with disease.

NM_002474.3(MYH11):c.3652-180_3652-179del

Gene: MYH11 (myosin heavy chain 11; minus strand). Cytogenetic location: 16p13.11.
Variant type: Microsatellite.
Coding change: c.3652-180_3652-179del on transcript NM_002474.3 (MANE Select); 180 bases into the intron before coding-DNA position 3652 through 179 bases into the intron before coding-DNA position 3652, 2 bases deleted (AG; older notation c.3652-180_3652-179delAG).
Molecular consequence: intron variant.
Genome position (GRCh38, 1-based): chr16:15,727,233-15,727,234, CT deleted on the plus strand (AG on the coding strand, the reverse complement: MYH11 is on the minus strand); deleting any 2 consecutive bases within chr16:15,727,233-15,727,236 gives the same sequence; the c. name uses the placement nearest the transcript's 3' end. VCF-style (leftmost placement, unchanged base first): chr16-15727232-ACT-A. GRCh37 (hg19) VCF-style: chr16-15821089-ACT-A.
Other names: c.3652-180_3652-179del (NM_022844.3); c.3673-180_3673-179del (NM_001040114.2, NM_001040113.2).
Identifiers: ClinVar variation 676026 (VCV000676026.1), dbSNP rs200297635, ClinGen allele CA278610308.